The following is an entry in ClinVar:

NM_000632.4(ITGAM):c.1031G>A (p.Ser344Asn)

Gene: ITGAM (integrin subunit alpha M; plus strand). Cytogenetic location: 16p11.2.
Variant type: single nucleotide variant.
Coding change: c.1031G>A on transcript NM_000632.4 (MANE Select); coding-DNA position 1031, G replaced by A.
Protein change: p.Ser344Asn; replaces serine 344 with asparagine.
Molecular consequence: missense variant.
Genome position (GRCh38, 1-based): chr16:31,276,692, G>A. VCF-style: chr16-31276692-G-A. GRCh37 (hg19) VCF-style: chr16-31288013-G-A.
Other names: c.1031G>A, p.Ser344Asn (NM_001145808.2); short protein forms S344N.
Identifiers: ClinVar variation 2964189 (VCV002964189.3), dbSNP rs995301109, ClinGen allele CA280605919.

ClinVar aggregate classification (germline): Uncertain significance (1 of 4 stars; one submission).

gnomAD v4.1: 5 of 1,611,872 alleles (0.00031%); highest among the groups gnomAD compares: Non-Finnish European, 0.00042%; no homozygotes.

Submission:

Labcorp Genetics (formerly Invitae), Labcorp
Classification: Uncertain significance. Last evaluated: 2023-07-31. Review status: criteria provided, single submitter. Criteria: Invitae Variant Classification Sherloc (09022015). Collection method: clinical testing. Allele origin: germline.
Comment: This sequence change replaces serine, which is neutral and polar, with asparagine, which is neutral and polar, at codon 344 of the ITGAM protein (p.Ser344Asn). This variant is not present in population databases (gnomAD no frequency). An algorithm developed to predict the effect of missense changes on protein structure and function (PolyPhen-2) suggests that this variant is likely to be disruptive. In summary, the available evidence is currently insufficient to determine the role of this variant in disease. Therefore, it has been classified as a Variant of Uncertain Significance. This variant has not been reported in the literature in individuals affected with ITGAM-related conditions.